The following is an entry in ClinVar:

ClinVar aggregate classification (germline): Uncertain significance. Review status: criteria provided, multiple submitters, no conflicts (2 of 4 stars). 2 submissions from 2 submitters: Uncertain significance (2). Last evaluated 2025-08-01.

Conditions:
Inborn genetic diseases. Identifiers: MedGen C0950123, MeSH D030342.
Spastic paraplegia. Identifiers: MedGen C0037772, HP:0001258.

Allele frequency attached by ClinVar (database versions not stated): gnomAD exomes 0.00001; ExAC 0.00002; TOPMed 0.00002; ESP Exome Variant Server 0.00015.
gnomAD v4.1: 8 of 1,614,026 alleles (0.0005%); highest among the groups gnomAD compares: African/African-American, 0.0027%; no homozygotes.

Submissions (2):

Ambry Genetics
Classification: Uncertain significance for Inborn genetic diseases. Last evaluated: 2025-08-01. Review status: criteria provided, single submitter. Criteria: Ambry Variant Classification Scheme 2023. Collection method: clinical testing. Allele origin: germline.

Labcorp Genetics (formerly Invitae), Labcorp
Classification: Uncertain significance for Spastic paraplegia. Last evaluated: 2022-07-26. Review status: criteria provided, single submitter. Criteria: Invitae Variant Classification Sherloc (09022015). Collection method: clinical testing. Allele origin: germline.
Comment: This variant is present in population databases (rs376291531, gnomAD 0.007%). In summary, the available evidence is currently insufficient to determine the role of this variant in disease. Therefore, it has been classified as a Variant of Uncertain Significance. Algorithms developed to predict the effect of missense changes on protein structure and function are either unavailable or do not agree on the potential impact of this missense change (SIFT: "Deleterious"; PolyPhen-2: "Probably Damaging"; Align-GVGD: "Class C0"). ClinVar contains an entry for this variant (Variation ID: 1044071). This variant has not been reported in the literature in individuals affected with B4GALNT1-related conditions. This sequence change replaces arginine, which is basic and polar, with histidine, which is basic and polar, at codon 288 of the B4GALNT1 protein (p.Arg288His).

NM_001478.5(B4GALNT1):c.863G>A (p.Arg288His)

Gene: B4GALNT1 (beta-1,4-N-acetyl-galactosaminyltransferase 1; minus strand). Cytogenetic location: 12q13.3.
Variant type: single nucleotide variant.
Coding change: c.863G>A on transcript NM_001478.5 (MANE Select); coding-DNA position 863, G replaced by A.
Protein change: p.Arg288His; replaces arginine 288 with histidine.
Molecular consequence: missense variant.
Genome position (GRCh38, 1-based): chr12:57,628,852, C>T on the plus strand (G>A on the coding strand, the complement: B4GALNT1 is on the minus strand). VCF-style: chr12-57628852-C-T. GRCh37 (hg19) VCF-style: chr12-58022635-C-T.
Other names: c.698G>A, p.Arg233His (NM_001276468.2); c.863G>A (NM_001478.3); short protein forms R288H, R233H.
Identifiers: ClinVar variation 1044071 (VCV001044071.9), dbSNP rs376291531, ClinGen allele CA6655614.